The following is an entry in ClinVar:

NM_001845.6(COL4A1):c.2029C>A (p.Leu677Met)

Gene: COL4A1 (collagen type IV alpha 1 chain; minus strand). Cytogenetic location: 13q34.
Variant type: single nucleotide variant.
Coding change: c.2029C>A on transcript NM_001845.6 (MANE Select); coding-DNA position 2029, C replaced by A.
Protein change: p.Leu677Met; replaces leucine 677 with methionine.
Molecular consequence: missense variant.
Genome position (GRCh38, 1-based): chr13:110,183,059, G>T on the plus strand (C>A on the coding strand, the complement: COL4A1 is on the minus strand). VCF-style: chr13-110183059-G-T. GRCh37 (hg19) VCF-style: chr13-110835406-G-T.
Other names: short protein forms L677M.
Identifiers: ClinVar variation 4702283 (VCV004702283.1).

ClinVar aggregate classification (germline): Uncertain significance (1 of 4 stars; one submission).

gnomAD v4.1: 1 of 1,613,378 alleles (0.000062%); highest among the groups gnomAD compares: Admixed American, 0.0017%; no homozygotes.

Submission:

Labcorp Genetics (formerly Invitae), Labcorp
Classification: Uncertain significance. Last evaluated: 2025-11-16. Review status: criteria provided, single submitter. Criteria: Invitae Variant Classification Sherloc (09022015). Collection method: clinical testing. Allele origin: germline.
Comment: This sequence change replaces leucine, which is neutral and non-polar, with methionine, which is neutral and non-polar, at codon 677 of the COL4A1 protein (p.Leu677Met). This variant is not present in population databases (gnomAD no frequency). This variant has not been reported in the literature in individuals affected with COL4A1-related conditions. Invitae Evidence Modeling of protein sequence and biophysical properties (such as structural, functional, and spatial information, amino acid conservation, physicochemical variation, residue mobility, and thermodynamic stability) indicates that this missense variant is not expected to disrupt COL4A1 protein function with a negative predictive value of 95%. In summary, the available evidence is currently insufficient to determine the role of this variant in disease. Therefore, it has been classified as a Variant of Uncertain Significance.